The following is an entry in ClinVar:

NM_198129.4(LAMA3):c.6319-1G>A

Gene: LAMA3 (laminin subunit alpha 3; plus strand). Cytogenetic location: 18q11.2.
Variant type: single nucleotide variant.
Coding change: c.6319-1G>A on transcript NM_198129.4 (MANE Select); the canonical splice acceptor site of the intron before coding-DNA position 6319, G replaced by A.
Molecular consequence: splice acceptor variant.
Genome position (GRCh38, 1-based): chr18:23,903,932, G>A. VCF-style: chr18-23903932-G-A. GRCh37 (hg19) VCF-style: chr18-21483896-G-A.
Other names: c.6151-1G>A (NM_001127717.4); c.1492-1G>A (NM_000227.6); c.1324-1G>A (NM_001127718.4).
Identifiers: ClinVar variation 2441682 (VCV002441682.2), dbSNP rs2081155250, ClinGen allele CA402049790.

ClinVar aggregate classification (germline): Likely pathogenic. Review status: criteria provided, multiple submitters, no conflicts (2 of 4 stars). 4 submissions from 2 submitters: Likely pathogenic (4). Last evaluated 2026-01-20.

Conditions:
Epidermolysis bullosa, junctional 2B, severe. Also called: EPIDERMOLYSIS BULLOSA, JUNCTIONAL 2B, GENERALIZED SEVERE; EPIDERMOLYSIS BULLOSA, JUNCTIONAL 2B, HERLITZ TYPE. Identifiers: MedGen C5676937, MONDO:0030747, OMIM 619784.
Epidermolysis bullosa, junctional 2A, intermediate. Also called: EPIDERMOLYSIS BULLOSA, JUNCTIONAL 2A, GENERALIZED INTERMEDIATE; EPIDERMOLYSIS BULLOSA, JUNCTIONAL 2A, NON-HERLITZ TYPE. Identifiers: MedGen C5676936, MONDO:0030746, OMIM 619783.
Laryngo-onycho-cutaneous syndrome (JEB2C). Also called: LOGIC SYNDROME; SHABBIR SYNDROME; EPIDERMOLYSIS BULLOSA, JUNCTIONAL 2C, LARYNGOONYCHOCUTANEOUS. Identifiers: Orphanet 2407, MedGen C1328355, MONDO:0009513, OMIM 245660.

Allele frequency attached by ClinVar (database versions not stated): gnomAD exomes below 0.00001; gnomAD 0.00001.
gnomAD v4.1: 2 of 1,609,486 alleles (0.00012%); highest among the groups gnomAD compares: African/African-American, 0.0027%; no homozygotes.

Submissions (4):

Labcorp Genetics (formerly Invitae), Labcorp
Classification: Likely pathogenic. Last evaluated: 2026-01-20. Review status: criteria provided, single submitter. Criteria: Invitae Variant Classification Sherloc (09022015). Collection method: clinical testing. Allele origin: germline.
Comment: This sequence change affects an acceptor splice site in intron 12 of the LAMA3 gene. It is expected to disrupt RNA splicing. Variants that disrupt the donor or acceptor splice site typically lead to a loss of protein function (PMID: 16199547), and loss-of-function variants in LAMA3 are known to be pathogenic (PMID: 10366601, 11810295, 12915477, 16473856, 17362460, 22434185, 23869449, 27827380, 28087116). This variant is not present in population databases (gnomAD no frequency). This variant has not been reported in the literature in individuals affected with LAMA3-related conditions. ClinVar contains an entry for this variant (Variation ID: 2441682). Algorithms developed to predict the effect of sequence changes on RNA splicing suggest that this variant may disrupt the consensus splice site. In summary, the currently available evidence indicates that the variant is pathogenic, but additional data are needed to prove that conclusively. Therefore, this variant has been classified as Likely Pathogenic.

Baylor Genetics
Classification: Likely pathogenic for Epidermolysis bullosa, junctional 2B, severe. Last evaluated: 2022-09-23. Review status: criteria provided, single submitter. Criteria: ACMG Guidelines, 2015. Collection method: clinical testing. Allele origin: unknown.

Baylor Genetics
Classification: Likely pathogenic for Epidermolysis bullosa, junctional 2A, intermediate. Last evaluated: 2022-09-23. Review status: criteria provided, single submitter. Criteria: ACMG Guidelines, 2015. Collection method: clinical testing. Allele origin: unknown.

Baylor Genetics
Classification: Likely pathogenic for Laryngo-onycho-cutaneous syndrome. Last evaluated: 2022-09-23. Review status: criteria provided, single submitter. Criteria: ACMG Guidelines, 2015. Collection method: clinical testing. Allele origin: unknown.

Literature cited by the submitters: PubMed 16199547 (cited by Labcorp Genetics (formerly Invitae), Labcorp); PubMed 10366601 (cited by Labcorp Genetics (formerly Invitae), Labcorp); PubMed 11810295 (cited by Labcorp Genetics (formerly Invitae), Labcorp); PubMed 12915477 (cited by Labcorp Genetics (formerly Invitae), Labcorp); PubMed 16473856 (cited by Labcorp Genetics (formerly Invitae), Labcorp); PubMed 17362460 (cited by Labcorp Genetics (formerly Invitae), Labcorp); PubMed 22434185 (cited by Labcorp Genetics (formerly Invitae), Labcorp); PubMed 23869449 (cited by Labcorp Genetics (formerly Invitae), Labcorp); PubMed 27827380 (cited by Labcorp Genetics (formerly Invitae), Labcorp); PubMed 28087116 (cited by Labcorp Genetics (formerly Invitae), Labcorp).